The following is an entry in ClinVar:

ClinVar aggregate classification (germline): Uncertain significance (1 of 4 stars; one submission).

Conditions:
Tuberous sclerosis 2 (TSC2). Identifiers: Orphanet 805, MedGen C1860707, MONDO:0013199, OMIM 613254.

Submission:

Labcorp Genetics (formerly Invitae), Labcorp
Classification: Uncertain significance for Tuberous sclerosis 2. Last evaluated: 2025-01-20. Review status: criteria provided, single submitter. Criteria: Invitae Variant Classification Sherloc (09022015). Collection method: clinical testing. Allele origin: germline.
Comment: This variant, c.4424_4426del, results in the deletion of 1 amino acid(s) of the TSC2 protein (p.Val1475del), but otherwise preserves the integrity of the reading frame. This variant is not present in population databases (gnomAD no frequency). This variant has not been reported in the literature in individuals affected with TSC2-related conditions. ClinVar contains an entry for this variant (Variation ID: 1995874). Experimental studies and prediction algorithms are not available or were not evaluated, and the functional significance of this variant is currently unknown. In summary, the available evidence is currently insufficient to determine the role of this variant in disease. Therefore, it has been classified as a Variant of Uncertain Significance.

NM_000548.5(TSC2):c.4424_4426del (p.Val1475del)

Gene: TSC2 (TSC complex subunit 2; plus strand). Cytogenetic location: 16p13.3.
Variant type: Deletion.
Coding change: c.4424_4426del on transcript NM_000548.5 (MANE Select); coding-DNA positions 4424 to 4426, 3 bases deleted (TAG; older notation c.4424_4426delTAG).
Protein change: p.Val1475del; deletes valine 1475.
Molecular consequence: inframe deletion. On other transcripts: inframe indel (32).
Genome position (GRCh38, 1-based): chr16:2,084,646-2,084,648, TAG deleted; deleting any 3 consecutive bases within chr16:2,084,644-2,084,648 gives the same sequence; the c. name uses the placement nearest the transcript's 3' end. VCF-style (leftmost placement, unchanged base first): chr16-2084643-GAGT-G. GRCh37 (hg19) VCF-style: chr16-2134644-GAGT-G.
Other names: c.4223_4225del, p.Val1408del (NM_001077183.3); c.4355_4357del, p.Val1452del (NM_001114382.3); c.4115_4117del, p.Val1372del (NM_001318827.2); c.4079_4081del, p.Val1360del (NM_001318829.2); c.3692_3694del, p.Val1231del (NM_001318831.2); c.4256_4258del, p.Val1419del (NM_001318832.2); c.4226_4228del, p.Val1409del (NM_001363528.2); c.4292_4294del, p.Val1431del (NM_001370404.1); and 26 more; short protein forms V1004del, V1359del, V1408del, V1439del, V1451del, V984del, V1255del, V1360del.
Identifiers: ClinVar variation 1995874 (VCV001995874.4), dbSNP rs2544286091, ClinGen allele CA2580090982.